The following is an entry in ClinVar:

NM_001134363.3(RBM20):c.2374dup (p.Glu792fs)

Gene: RBM20 (RNA binding motif protein 20; plus strand). Cytogenetic location: 10q25.2.
Variant type: Duplication.
Coding change: c.2374dup on transcript NM_001134363.3 (MANE Select); coding-DNA position 2374, one base duplicated (G; older notation c.2374dupG).
Protein change: p.Glu792fs; shifts the reading frame from glutamic acid 792.
Molecular consequence: frameshift variant.
Genome position (GRCh38, 1-based): chr10:110,812,771, G duplicated; the last of 3 consecutive G bases (chr10:110,812,769-110,812,771); duplicating any one gives the same sequence. VCF-style (leftmost placement, unchanged base first): chr10-110812768-C-CG. GRCh37 (hg19) VCF-style: chr10-112572526-C-CG.
Other names: short protein forms E792fs.
Identifiers: ClinVar variation 2985989 (VCV002985989.3), dbSNP rs2493475607, ClinGen allele CA2574667537.
Genomic context (GRCh38, chr10:110,812,768, plus strand): 5'-TATCTGAAGCAGCAGCAGGATGCCCCCGGGAGGTCCAGGAGGAAAGACGAGGCCAGGCTG[C>CG]GGGAAAGCAGACACCCCCATCCGGATGACTCAGGCAAGGAAGATGGGCTGGGGCCAAAGG-3'

ClinVar aggregate classification (germline): Pathogenic (1 of 4 stars; one submission).

Conditions:
Dilated cardiomyopathy 1DD (CMD1DD). Identifiers: Orphanet 154, MedGen C2750995, MONDO:0013168, OMIM 613172.

Submission:

Labcorp Genetics (formerly Invitae), Labcorp
Classification: Pathogenic for Dilated cardiomyopathy 1DD. Last evaluated: 2025-11-21. Review status: criteria provided, single submitter. Criteria: Invitae Variant Classification Sherloc (09022015). Collection method: clinical testing. Allele origin: germline.
Comment: This sequence change creates a premature translational stop signal (p.Glu792Glyfs*9) in the RBM20 gene. It is expected to result in an absent or disrupted protein product. Loss-of-function variants in RBM20 are known to be pathogenic (PMID: 20590677, 22004663, 38288598, 38510713, 40339755). This variant is not present in population databases (gnomAD no frequency). This premature translational stop signal has been observed in individual(s) with dilated cardiomyopathy (PMID: 34201072). ClinVar contains an entry for this variant (Variation ID: 2985989). For these reasons, this variant has been classified as Pathogenic.

Literature cited by the submitters: PubMed 20590677; PubMed 22004663; PubMed 38288598; PubMed 38510713; PubMed 40339755; PubMed 34201072.